The following is an entry in ClinVar:

NM_004393.6(DAG1):c.535T>A (p.Ser179Thr)

Gene: DAG1 (dystroglycan 1; plus strand). Cytogenetic location: 3p21.31.
Variant type: single nucleotide variant.
Coding change: c.535T>A on transcript NM_004393.6 (MANE Select); coding-DNA position 535, T replaced by A.
Protein change: p.Ser179Thr; replaces serine 179 with threonine.
Molecular consequence: missense variant.
Genome position (GRCh38, 1-based): chr3:49,531,046, T>A. VCF-style: chr3-49531046-T-A. GRCh37 (hg19) VCF-style: chr3-49568479-T-A.
Other names: c.535T>A, p.Ser179Thr (NM_001165928.4, NM_001177634.3, NM_001177635.3 and 9 more transcripts); short protein forms S179T.
Identifiers: ClinVar variation 804734 (VCV000804734.7), dbSNP rs201869343, ClinGen allele CA2398925.

ClinVar aggregate classification (germline): Uncertain significance. Review status: criteria provided, multiple submitters, no conflicts (2 of 4 stars). 4 submissions from 4 submitters: Uncertain significance (4). Last evaluated 2023-12-29.

Conditions:
Autosomal recessive limb-girdle muscular dystrophy type 2P. Also called: Limb-Girdle Muscular Dystrophy Type 9C; MUSCULAR DYSTROPHY, LIMB-GIRDLE, TYPE 2P; MUSCULAR DYSTROPHY-DYSTROGLYCANOPATHY, LIMB-GIRDLE, DAG1-RELATED. Identifiers: Orphanet 280333, MedGen C4511963, MONDO:0013440, OMIM 613818.
Muscular dystrophy-dystroglycanopathy (congenital with brain and eye anomalies), type A9. Also called: WALKER-WARBURG SYNDROME OR MUSCLE-EYE BRAIN DISEASE, DAG1-RELATED; Muscular dystrophy-dystroglycanopathy (congenital with brain and eye anomalies), type a, 9. Identifiers: Orphanet 370997, Orphanet 899, MedGen C4225291, MONDO:0014683, OMIM 616538.

Allele frequency attached by ClinVar (database versions not stated): gnomAD exomes 0.00001 and 0.00006; ExAC 0.00003; gnomAD 0.00004 and 0.00005; TOPMed 0.00005; 1000 Genomes Project 30x 0.00016; 1000 Genomes Project 0.00020.
gnomAD v4.1: 25 of 1,614,148 alleles (0.0015%); highest among the groups gnomAD compares: East Asian, 0.051%; no homozygotes.

Submissions (4):

Fulgent Genetics
Classification: Uncertain significance for Autosomal recessive limb-girdle muscular dystrophy type 2P; Muscular dystrophy-dystroglycanopathy (congenital with brain and eye anomalies), type A9. Last evaluated: 2023-12-29. Review status: criteria provided, single submitter. Criteria: ACMG Guidelines, 2015. Collection method: clinical testing. Allele origin: germline.

Labcorp Genetics (formerly Invitae), Labcorp
Classification: Uncertain significance for Autosomal recessive limb-girdle muscular dystrophy type 2P; Muscular dystrophy-dystroglycanopathy (congenital with brain and eye anomalies), type A9. Last evaluated: 2021-08-31. Review status: criteria provided, single submitter. Criteria: Invitae Variant Classification Sherloc (09022015). Collection method: clinical testing. Allele origin: germline.
Comment: This sequence change replaces serine with threonine at codon 179 of the DAG1 protein (p.Ser179Thr). The serine residue is weakly conserved and there is a small physicochemical difference between serine and threonine. This variant is present in population databases (rs201869343, ExAC 0.05%). This variant has not been reported in the literature in individuals affected with DAG1-related conditions. Algorithms developed to predict the effect of missense changes on protein structure and function (SIFT, PolyPhen-2, Align-GVGD) all suggest that this variant is likely to be tolerated. Algorithms developed to predict the effect of sequence changes on RNA splicing suggest that this variant may create or strengthen a splice site. In summary, the available evidence is currently insufficient to determine the role of this variant in disease. Therefore, it has been classified as a Variant of Uncertain Significance.

Revvity Omics, Revvity
Classification: Uncertain significance. Last evaluated: 2020-10-13. Review status: criteria provided, single submitter. Criteria: ACMG Guidelines, 2015. Collection method: clinical testing. Allele origin: germline.

Athena Diagnostics
Classification: Uncertain significance. Last evaluated: 2018-09-12. Review status: criteria provided, single submitter. Criteria: Athena Diagnostics Criteria. Collection method: clinical testing. Allele origin: germline.